The following is an entry in ClinVar:

NM_138694.4(PKHD1):c.349del (p.Ser117fs)

Gene: PKHD1 (PKHD1 ciliary IPT domain containing fibrocystin/polyductin; minus strand). Cytogenetic location: 6p12.2.
Variant type: Deletion.
Coding change: c.349del on transcript NM_138694.4 (MANE Select); coding-DNA position 349, one base deleted (A; older notation c.349delA).
Protein change: p.Ser117fs; shifts the reading frame from serine 117.
Molecular consequence: frameshift variant.
Genome position (GRCh38, 1-based): chr6:52,079,941, T deleted on the plus strand (A on the coding strand, the reverse complement: PKHD1 is on the minus strand); the first of 2 consecutive T bases (chr6:52,079,941-52,079,942); deleting either gives the same sequence. VCF-style (leftmost placement, unchanged base first): chr6-52079940-CT-C. GRCh37 (hg19) VCF-style: chr6-51944738-CT-C.
Other names: c.349del, p.Ser117fs (NM_170724.3); short protein forms S117fs.
Identifiers: ClinVar variation 1724919 (VCV001724919.2), dbSNP rs2533716704, ClinGen allele CA2580075509.

ClinVar aggregate classification (germline): Likely pathogenic (1 of 4 stars; one submission).

Conditions:
Polycystic kidney disease 4 (PKD4). Also called: POLYCYSTIC KIDNEY AND HEPATIC DISEASE 1; POLYCYSTIC KIDNEY DISEASE, INFANTILE, TYPE I; POLYCYSTIC KIDNEY DISEASE 4 WITH OR WITHOUT POLYCYSTIC LIVER DISEASE; PKD3; Autosomal Recessive Polycystic Kidney Disease – PKHD1. Identifiers: MedGen C4540575, MONDO:0033004, OMIM 263200.

Submission:

Myriad Genetics, Inc.
Classification: Likely pathogenic for Polycystic kidney disease 4. Last evaluated: 2022-03-02. Review status: criteria provided, single submitter. Criteria: Myriad Women's Health Autosomal Recessive and X-Linked Classification Criteria (2021). Collection method: clinical testing. Allele origin: unknown.
Comment: NM_138694.3(PKHD1):c.349delA(S117Afs*36) is expected to be pathogenic in the context of autosomal recessive polycystic kidney disease, PKHD1-related. This variant is predicted to lead to an abnormal or absent protein product due to the creation of a premature termination codon in PKHD1, a gene where loss-of-function variants are known to be pathogenic. Please note: this variant was assessed in the context of healthy population screening.